The following is an entry in ClinVar:

NM_001972.4(ELANE):c.211T>C (p.Cys71Arg)

Gene: ELANE (elastase, neutrophil expressed; plus strand). Cytogenetic location: 19p13.3.
Variant type: single nucleotide variant.
Coding change: c.211T>C on transcript NM_001972.4 (MANE Select); coding-DNA position 211, T replaced by C.
Protein change: p.Cys71Arg; replaces cysteine 71 with arginine.
Molecular consequence: missense variant.
Genome position (GRCh38, 1-based): chr19:853,019, T>C. VCF-style: chr19-853019-T-C. GRCh37 (hg19) VCF-style: chr19-853019-T-C.
Other names: C42R; short protein forms C71R.
Identifiers: ClinVar variation 16746 (VCV000016746.3), dbSNP rs28931611, ClinGen allele CA281057.

ClinVar aggregate classification (germline): Likely pathogenic. Review status: criteria provided, single submitter (1 of 4 stars). 3 submissions from 3 submitters: Likely pathogenic (1). 2 of the submissions do not count toward it. Last evaluated 2026-03-30.

Conditions:
Cyclical neutropenia. Also called: Cyclic hematopoiesis; Cyclic Neutropenia. Identifiers: Orphanet 2686, MedGen C0221023, MONDO:0008090, OMIM 162800, HP:0040289. Disease mechanism: loss of function.
Neutropenia, severe congenital, 1, autosomal dominant. Identifiers: MedGen C1859966, MONDO:0042490, OMIM 202700.

Allele frequency attached by ClinVar (database versions not stated): gnomAD exomes below 0.00001.
gnomAD v4.1: 1 of 1,562,994 alleles (0.000064%); highest among the groups gnomAD compares: Admixed American, 0.0018%; no homozygotes.

Submissions (3):

GeneDx
Classification: Likely pathogenic. Last evaluated: 2026-03-30. Review status: criteria provided, single submitter. Criteria: GeneDx Variant Classification Process June 2021. Collection method: clinical testing. Allele origin: germline.
Comment: In silico analysis supports that this missense variant has a deleterious effect on protein structure/function; Not observed at significant frequency in large population cohorts (gnomAD); Also known as p.(C42R); This variant is associated with the following publications: (PMID: 35571273, Ying2024[CaseReport], 24352879, 26567890, 20301705, 34968504, 12091371, 26174650)

OMIM
Classification: Pathogenic for NEUTROPENIA, SEVERE CONGENITAL, 1, AUTOSOMAL DOMINANT. Last evaluated: 2001-11-01. Review status: no assertion criteria provided. Collection method: literature only. Allele origin: germline. Not counted in ClinVar's aggregate classification.

GeneReviews
No classification provided. Condition: Cyclical neutropenia. Review status: no classification provided. Collection method: literature only. Allele origin: germline. Not counted in ClinVar's aggregate classification.

Literature cited by the submitters: PubMed 11675333 (cited by OMIM).